The following is an entry in ClinVar:

ClinVar aggregate classification (germline): Conflicting classifications of pathogenicity. Review status: criteria provided, conflicting classifications (1 of 4 stars). 4 submissions from 4 submitters: Uncertain significance (2); Benign (1). 1 of the submissions does not count toward it. Last evaluated 2024-06-13.

Conditions:
PKD1-related disorder. Also called: PKD1-related condition.
Inborn genetic diseases. Identifiers: MedGen C0950123, MeSH D030342.
Polycystic kidney disease, adult type (PKD1). Also called: Polycystic Kidney Disease 1, Autosomal Dominant; Polycystic kidney disease 1; Polycystic kidney disease 1, severe; POLYCYSTIC KIDNEY DISEASE 1 WITH OR WITHOUT POLYCYSTIC LIVER DISEASE; Polycystic Kidney, Autosomal Dominant; POLYCYSTIC KIDNEY DISEASE, ADULT, TYPE I. Identifiers: MedGen C3149841, MONDO:0008263, OMIM 173900.

Allele frequency attached by ClinVar (database versions not stated): gnomAD below 0.00001 and 0.00014; TOPMed 0.00002; gnomAD exomes 0.00053; 1000 Genomes Project 0.00060; 1000 Genomes Project 30x 0.00062; ExAC 0.00063.
gnomAD v4.1: 384 of 1,607,086 alleles (0.024%); highest among the groups gnomAD compares: South Asian, 0.41%; 8 homozygotes.

Submissions (4):

Department of Pathology and Laboratory Medicine, Sinai Health System
Classification: Uncertain significance for Polycystic kidney disease, adult type. Last evaluated: 2024-06-13. Review status: criteria provided, single submitter. Criteria: ACMG Guidelines, 2015. Collection method: clinical testing. Allele origin: germline. Affected: yes.

Ambry Genetics
Classification: Uncertain significance for Inborn genetic diseases. Last evaluated: 2023-07-07. Review status: criteria provided, single submitter. Criteria: Ambry Variant Classification Scheme 2023. Collection method: clinical testing. Allele origin: germline.

Athena Diagnostics
Classification: Benign. Last evaluated: 2017-11-24. Review status: criteria provided, single submitter. Criteria: Athena Diagnostics Criteria. Collection method: clinical testing. Allele origin: germline.

PreventionGenetics, part of Exact Sciences
Classification: Likely benign for PKD1-related condition. Last evaluated: 2024-08-12. Review status: no assertion criteria provided. Collection method: clinical testing. Allele origin: germline. Not counted in ClinVar's aggregate classification.
Comment: This variant is classified as likely benign based on ACMG/AMP sequence variant interpretation guidelines (Richards et al. 2015 PMID: 25741868, with internal and published modifications).

NM_001009944.3(PKD1):c.3069G>C (p.Gln1023His)

Gene: PKD1 (polycystin 1, transient receptor potential channel interacting; minus strand). Cytogenetic location: 16p13.3.
Variant type: single nucleotide variant.
Coding change: c.3069G>C on transcript NM_001009944.3 (MANE Select); coding-DNA position 3069, G replaced by C.
Protein change: p.Gln1023His; replaces glutamine 1023 with histidine.
Molecular consequence: missense variant.
Genome position (GRCh38, 1-based): chr16:2,112,880, C>G on the plus strand (G>C on the coding strand, the complement: PKD1 is on the minus strand). VCF-style: chr16-2112880-C-G. GRCh37 (hg19) VCF-style: chr16-2162881-C-G.
Other names: c.3069G>C, p.Gln1023His (NM_000296.4); c.3069G>C (NM_001009944.2); short protein forms Q1023H.
Identifiers: ClinVar variation 586266 (VCV000586266.7), dbSNP rs568163462, ClinGen allele CA7832971.